The following is an entry in ClinVar:

NM_002080.4(GOT2):c.1151C>T (p.Thr384Ile)

Gene: GOT2 (glutamic-oxaloacetic transaminase 2; minus strand). Cytogenetic location: 16q21.
Variant type: single nucleotide variant.
Coding change: c.1151C>T on transcript NM_002080.4 (MANE Select); coding-DNA position 1151, C replaced by T.
Protein change: p.Thr384Ile; replaces threonine 384 with isoleucine.
Molecular consequence: missense variant.
Genome position (GRCh38, 1-based): chr16:58,709,436, G>A on the plus strand (C>T on the coding strand, the complement: GOT2 is on the minus strand). VCF-style: chr16-58709436-G-A. GRCh37 (hg19) VCF-style: chr16-58743340-G-A.
Other names: c.1022C>T, p.Thr341Ile (NM_001286220.2); short protein forms T341I, T384I.
Identifiers: ClinVar variation 1961271 (VCV001961271.3), dbSNP rs1007370884, ClinGen allele CA281680643.

ClinVar aggregate classification (germline): Uncertain significance (1 of 4 stars; one submission).

Allele frequency attached by ClinVar (database versions not stated): gnomAD exomes below 0.00001; TOPMed below 0.00001; gnomAD 0.00001.
gnomAD v4.1: 3 of 1,612,176 alleles (0.00019%); highest among the groups gnomAD compares: Admixed American, 0.0033%; no homozygotes.

Submission:

Labcorp Genetics (formerly Invitae), Labcorp
Classification: Uncertain significance. Last evaluated: 2021-12-09. Review status: criteria provided, single submitter. Criteria: Invitae Variant Classification Sherloc (09022015). Collection method: clinical testing. Allele origin: germline.
Comment: In summary, the available evidence is currently insufficient to determine the role of this variant in disease. Therefore, it has been classified as a Variant of Uncertain Significance. Algorithms developed to predict the effect of missense changes on protein structure and function are either unavailable or do not agree on the potential impact of this missense change (SIFT: "Deleterious"; PolyPhen-2: "Probably Damaging"; Align-GVGD: "Class C0"). This variant has not been reported in the literature in individuals affected with GOT2-related conditions. This variant is not present in population databases (gnomAD no frequency). This sequence change replaces threonine, which is neutral and polar, with isoleucine, which is neutral and non-polar, at codon 384 of the GOT2 protein (p.Thr384Ile).